The following is an entry in ClinVar:

NM_139076.3(ABRAXAS1):c.952G>C (p.Asp318His)

Gene: ABRAXAS1 (abraxas 1, BRCA1 A complex subunit; minus strand). Cytogenetic location: 4q21.23.
Variant type: single nucleotide variant.
Coding change: c.952G>C on transcript NM_139076.3 (MANE Select); coding-DNA position 952, G replaced by C.
Protein change: p.Asp318His; replaces aspartic acid 318 with histidine.
Molecular consequence: missense variant.
Genome position (GRCh38, 1-based): chr4:83,462,747, C>G on the plus strand (G>C on the coding strand, the complement: ABRAXAS1 is on the minus strand). VCF-style: chr4-83462747-C-G. GRCh37 (hg19) VCF-style: chr4-84383900-C-G.
Other names: c.625G>C, p.Asp209His (NM_001345962.2); short protein forms D209H, D318H.
Identifiers: ClinVar variation 932207 (VCV000932207.1), dbSNP rs775345294, ClinGen allele CA357255792.

ClinVar aggregate classification (germline): Uncertain significance (1 of 4 stars; one submission).

Submission:

Women's Health and Genetics/Laboratory Corporation of America, LabCorp
Classification: Uncertain significance. Last evaluated: 2020-05-07. Review status: criteria provided, single submitter. Criteria: LabCorp Variant Classification Summary - May 2015. Collection method: clinical testing. Allele origin: germline.
Comment: Variant summary: FAM175A c.952G>C (p.Asp318His) results in a non-conservative amino acid change in the encoded protein sequence. Three of five in-silico tools predict a benign effect of the variant on protein function. The variant was absent in 251326 control chromosomes. The available data on variant occurrences in the general population are insufficient to allow any conclusion about variant significance. To our knowledge, no occurrence of c.952G>C in individuals affected with Hereditary Breast And Ovarian Cancer Syndrome and no experimental evidence demonstrating its impact on protein function have been reported. No clinical diagnostic laboratories have submitted clinical-significance assessments for this variant to ClinVar after 2014. Based on the evidence outlined above, the variant was classified as uncertain significance.